The following is an entry in ClinVar:

ClinVar aggregate classification (germline): Likely benign (1 of 4 stars; one submission).

Allele frequency attached by ClinVar (database versions not stated): 1000 Genomes Project 0.00020; gnomAD 0.00023; TOPMed 0.00023; gnomAD exomes 0.00045; 1000 Genomes Project 30x 0.00047; ExAC 0.00080.
gnomAD v4.1: 698 of 1,609,020 alleles (0.043%); highest among the groups gnomAD compares: South Asian, 0.56%; 11 homozygotes.

Submission:

CeGaT Center for Human Genetics Tuebingen
Classification: Likely benign. Last evaluated: 2026-01-01. Review status: criteria provided, single submitter. Criteria: CeGaT Center For Human Genetics Tuebingen Variant Classification Criteria Version 2. Collection method: clinical testing. Allele origin: germline. Affected: yes. Observed: 2 variant alleles.
Comment: TSPOAP1: BP4, BP7

NM_004758.4(TSPOAP1):c.4416T>C (p.Pro1472=)

Gene: TSPOAP1 (TSPO associated protein 1; minus strand). Cytogenetic location: 17q22.
Variant type: single nucleotide variant.
Coding change: c.4416T>C on transcript NM_004758.4 (MANE Select); coding-DNA position 4416, T replaced by C.
Protein change: p.Pro1472=; no amino-acid change (proline 1472 retained).
Molecular consequence: synonymous variant.
Genome position (GRCh38, 1-based): chr17:58,308,856, A>G on the plus strand (T>C on the coding strand, the complement: TSPOAP1 is on the minus strand). VCF-style: chr17-58308856-A-G. GRCh37 (hg19) VCF-style: chr17-56386217-A-G.
Other names: c.4416T>C, p.Pro1472= (NM_001261835.2); c.4236T>C, p.Pro1412= (NM_024418.3).
Identifiers: ClinVar variation 2647959 (VCV002647959.24), dbSNP rs527953790, ClinGen allele CA8671586.
Genomic context (GRCh38, chr17:58,308,856, plus strand): 5'-GGGGGAAAGGCAGCTGGCCAGGCCAGGCTCCAGCGCCCGGCCACGGGAGCACCTCCGGGA[A>G]GGGCCCAGCCGGCCTCTCCCGCTAGCCTCTAGTCCAGTCCTGGGGCCCTCAATTACGGGG-3'
Protein context (NP_004749.2, residues 1462-1482): LEASGRGRLG[Pro1472=]SRRCSRGRAL